The following is an entry in ClinVar:

NM_007118.4(TRIO):c.1732-1G>C

Gene: TRIO (trio Rho guanine nucleotide exchange factor; plus strand). Cytogenetic location: 5p15.2.
Variant type: single nucleotide variant.
Coding change: c.1732-1G>C on transcript NM_007118.4 (MANE Select); the canonical splice acceptor site of the intron before coding-DNA position 1732, G replaced by C.
Molecular consequence: splice acceptor variant.
Genome position (GRCh38, 1-based): chr5:14,330,777, G>C. VCF-style: chr5-14330777-G-C. GRCh37 (hg19) VCF-style: chr5-14330886-G-C.
Identifiers: ClinVar variation 3572895 (VCV003572895.2).
Genomic context (GRCh38, chr5:14,330,777, plus strand): 5'-TTAAACATTGAACATGGCAGGACATTGTTTTTATGGCATATGTACCTGTATTTCATTGTA[G>C]GTGCTAGACTGGATCGAGAACCACGGAGAAGCATTTCTGAGCAAACATACAGGTGTGGGG-3'

ClinVar aggregate classification (germline): Pathogenic (1 of 4 stars; one submission).

Conditions:
Intellectual developmental disorder, autosomal dominant 44, with microcephaly. Also called: Micrognathia-recurrent infections-behavioral abnormalities-mild intellectual disability syndrome; TRIO-Related Intellectual Disability. Identifiers: Orphanet 476126, MedGen C4310740, MONDO:0014892, OMIM 617061.

Submission:

Institute of Human Genetics, University of Leipzig Medical Center
Classification: Pathogenic for Intellectual developmental disorder, autosomal dominant 44, with microcephaly. Last evaluated: 2024-12-19. Review status: criteria provided, single submitter. Criteria: ACMG Guidelines, 2015. Collection method: clinical testing. Allele origin: maternal. Inheritance: Autosomal dominant inheritance. Affected: yes.
Comment: Criteria applied: PVS1,PM2